The following is an entry in ClinVar:

ClinVar aggregate classification (germline): Conflicting classifications of pathogenicity. Review status: criteria provided, conflicting classifications (1 of 4 stars). 3 submissions from 3 submitters: Uncertain significance (2); Likely benign (1). Last evaluated 2025-12-15.

Conditions:
Hereditary cancer-predisposing syndrome. Also called: Neoplastic Syndromes, Hereditary; Hereditary Cancer Syndrome; Hereditary neoplastic syndrome; Tumor predisposition. Identifiers: Orphanet 140162, MedGen C0027672, MeSH D009386, MONDO:0015356.
Neuroblastoma, susceptibility to, 3. Also called: ALK-Related Neuroblastic Tumor Susceptibility. Identifiers: Orphanet 635, MedGen C2751681, MONDO:0013083, OMIM 613014.

Allele frequency attached by ClinVar (database versions not stated): TOPMed below 0.00001; gnomAD 0.00001.
gnomAD v4.1: 2 of 1,613,988 alleles (0.00012%); highest among the groups gnomAD compares: African/African-American, 0.0013%; no homozygotes.

Submissions (3):

Labcorp Genetics (formerly Invitae), Labcorp
Classification: Uncertain significance for Neuroblastoma, susceptibility to, 3. Last evaluated: 2025-12-15. Review status: criteria provided, single submitter. Criteria: Invitae Variant Classification Sherloc (09022015). Collection method: clinical testing. Allele origin: germline.
Comment: This sequence change replaces aspartic acid, which is acidic and polar, with histidine, which is basic and polar, at codon 302 of the ALK protein (p.Asp302His). This variant is present in population databases (no rsID available, gnomAD 0.01%). This variant has not been reported in the literature in individuals affected with ALK-related conditions. ClinVar contains an entry for this variant (Variation ID: 852636). An algorithm developed to predict the effect of missense changes on protein structure and function (PolyPhen-2) suggests that this variant is likely to be tolerated. In summary, the available evidence is currently insufficient to determine the role of this variant in disease. Therefore, it has been classified as a Variant of Uncertain Significance.

GeneDx
Classification: Uncertain significance. Last evaluated: 2025-03-25. Review status: criteria provided, single submitter. Criteria: GeneDx Variant Classification Process June 2021. Collection method: clinical testing. Allele origin: germline. Affected: yes.
Comment: Not observed at significant frequency in large population cohorts (gnomAD); In silico analysis indicates that this missense variant does not alter protein structure/function; Has not been previously published as pathogenic or benign to our knowledge

Ambry Genetics
Classification: Likely benign for Hereditary cancer-predisposing syndrome. Last evaluated: 2025-03-06. Review status: criteria provided, single submitter. Criteria: Ambry Variant Classification Scheme 2023. Collection method: clinical testing. Allele origin: germline.

NM_004304.5(ALK):c.904G>C (p.Asp302His)

Gene: ALK (ALK receptor tyrosine kinase; minus strand). Cytogenetic location: 2p23.2.
Variant type: single nucleotide variant.
Coding change: c.904G>C on transcript NM_004304.5 (MANE Select); coding-DNA position 904, G replaced by C.
Protein change: p.Asp302His; replaces aspartic acid 302 with histidine.
Molecular consequence: missense variant.
Genome position (GRCh38, 1-based): chr2:29,694,898, C>G on the plus strand (G>C on the coding strand, the complement: ALK is on the minus strand). VCF-style: chr2-29694898-C-G. GRCh37 (hg19) VCF-style: chr2-29917764-C-G.
Other names: short protein forms D302H.
Identifiers: ClinVar variation 852636 (VCV000852636.11), dbSNP rs1275855734, ClinGen allele CA346586902.
Genomic context (GRCh38, chr2:29,694,898, plus strand): 5'-CCTCTCCCTTACCTCTGGGCATCTCCTTAGAACGCTCTGCCCCAGGCCCATCCAGCAAGT[C>G]CATCTGGGAGGCCTCCTCGGAGGGGATGCGGCGCCAGGACCAGCTCTGGTTCCTGAGGTC-3'
Protein context (NP_004295.2, residues 292-312): RIPSEEASQM[Asp302His]LLDGPGAERS